The following is an entry in ClinVar:

NM_019594.4(LRRC8A):c.1487G>A (p.Arg496Gln)

Gene: LRRC8A (leucine rich repeat containing 8 VRAC subunit A; plus strand). Cytogenetic location: 9q34.11.
Variant type: single nucleotide variant.
Coding change: c.1487G>A on transcript NM_019594.4 (MANE Select); coding-DNA position 1487, G replaced by A.
Protein change: p.Arg496Gln; replaces arginine 496 with glutamine.
Molecular consequence: missense variant.
Genome position (GRCh38, 1-based): chr9:128,908,651, G>A. VCF-style: chr9-128908651-G-A. GRCh37 (hg19) VCF-style: chr9-131670930-G-A.
Other names: c.1487G>A, p.Arg496Gln (NM_001127244.2, NM_001127245.2); c.1487G>A (NM_001127244.1); short protein forms R496Q.
Identifiers: ClinVar variation 1516321 (VCV001516321.7), dbSNP rs565795685, ClinGen allele CA5270893.
Genomic context (GRCh38, chr9:128,908,651, plus strand): 5'-TCTACCACACAGCGGCCAAGATTGAAGCGCCCGCGCTGGCCTTCCTGCGTGAGAACCTGC[G>A]GGCGCTGCACATCAAGTTCACCGACATCAAGGAGATCCCGCTGTGGATCTATAGCCTGAA-3'
Protein context (NP_062540.2, residues 486-506): PALAFLRENL[Arg496Gln]ALHIKFTDIK

ClinVar aggregate classification (germline): Uncertain significance. Review status: criteria provided, multiple submitters, no conflicts (2 of 4 stars). 2 submissions from 2 submitters: Uncertain significance (2). Last evaluated 2025-09-14.

Allele frequency attached by ClinVar (database versions not stated): gnomAD 0.00004; gnomAD exomes 0.00004 and 0.00017; TOPMed 0.00008; ExAC 0.00014; 1000 Genomes Project 30x 0.00016; 1000 Genomes Project 0.00020.
gnomAD v4.1: 68 of 1,612,734 alleles (0.0042%); highest among the groups gnomAD compares: Admixed American, 0.075%; no homozygotes.

Submissions (2):

Labcorp Genetics (formerly Invitae), Labcorp
Classification: Uncertain significance. Last evaluated: 2025-09-14. Review status: criteria provided, single submitter. Criteria: Invitae Variant Classification Sherloc (09022015). Collection method: clinical testing. Allele origin: germline.
Comment: This sequence change replaces arginine, which is basic and polar, with glutamine, which is neutral and polar, at codon 496 of the LRRC8A protein (p.Arg496Gln). This variant is present in population databases (rs565795685, gnomAD 0.1%), and has an allele count higher than expected for a pathogenic variant. This variant has not been reported in the literature in individuals affected with LRRC8A-related conditions. ClinVar contains an entry for this variant (Variation ID: 1516321). An algorithm developed to predict the effect of missense changes on protein structure and function (PolyPhen-2) suggests that this variant is likely to be tolerated. In summary, the available evidence is currently insufficient to determine the role of this variant in disease. Therefore, it has been classified as a Variant of Uncertain Significance.

Ambry Genetics
Classification: Uncertain significance. Last evaluated: 2024-01-08. Review status: criteria provided, single submitter. Criteria: Ambry Variant Classification Scheme 2023. Collection method: clinical testing. Allele origin: germline.